The following is an entry in ClinVar:

NM_018006.5(TRMU):c.679_686del (p.Lys226_Arg227insTer)

Gene: TRMU (tRNA mitochondrial 2-thiouridylase; plus strand). Cytogenetic location: 22q13.31.
Variant type: Deletion.
Coding change: c.679_686del on transcript NM_018006.5 (MANE Select); coding-DNA positions 679 to 686, 8 bases deleted (AGGAATTT; older notation c.679_686delAGGAATTT).
Protein change: p.Lys226_Arg227insTer.
Molecular consequence: nonsense. On other transcripts: non-coding transcript variant (2).
Genome position (GRCh38, 1-based): chr22:46,352,148-46,352,155, AGGAATTT deleted. VCF-style (leftmost placement, unchanged base first): chr22-46352147-GAGGAATTT-G. GRCh37 (hg19) VCF-style: chr22-46748044-GAGGAATTT-G.
Other names: c.679_686del8 (NM_018006.4); c.*123_*130delAGGAATTT (NM_001008568.2); c.*217_*224delAGGAATTT (NM_001008570.2); c.337_344del, p.Lys112_Arg113insTer (NM_001282782.2); c.259_266del, p.Lys86_Arg87insTer (NM_001282783.2, NM_001282784.2); c.679_686del, p.Lys226_Arg227insTer (NM_001282785.2).
Identifiers: ClinVar variation 3240635 (VCV003240635.2), dbSNP rs1484132200.

ClinVar aggregate classification (germline): Likely pathogenic. Review status: criteria provided, multiple submitters, no conflicts (2 of 4 stars). 2 submissions from 2 submitters: Likely pathogenic (2). Last evaluated 2025-05-02.

Conditions:
TRMU-related disorder. Also called: TRMU-related condition.
Aminoglycoside-induced deafness. Also called: DEAFNESS, STREPTOMYCIN-INDUCED; MT-RNR1-Related Hearing Loss and Deafness; STREPTOMYCIN OTOTOXICITY. Identifiers: Orphanet 168609, MedGen C1838854, MONDO:0010799, OMIM 580000.

Allele frequency attached by ClinVar (database versions not stated): gnomAD exomes below 0.00001.

Submissions (2):

PreventionGenetics, part of Exact Sciences
Classification: Likely pathogenic for TRMU-related condition. Last evaluated: 2025-05-02. Review status: criteria provided, single submitter. Criteria: ACMG Guidelines, 2015. Collection method: clinical testing. Allele origin: germline.
Comment: The TRMU c.679_686del8 variant is predicted to result in premature protein termination (p.Arg227*). To our knowledge, this variant has not been reported in the literature. This variant is reported in 0.0029% of alleles in individuals of Latino descent in gnomAD. Nonsense variants in TRMU are expected to be pathogenic. This variant is interpreted as likely pathogenic.

Baylor Genetics
Classification: Likely pathogenic for Aminoglycoside-induced deafness. Last evaluated: 2024-03-13. Review status: criteria provided, single submitter. Criteria: ACMG Guidelines, 2015. Collection method: clinical testing. Allele origin: unknown.